The following is an entry in ClinVar:

NM_024514.5(CYP2R1):c.17G>C (p.Arg6Thr)

Genes: CYP2R1 (cytochrome P450 family 2 subfamily R member 1; minus strand), PDE3B (phosphodiesterase 3B; plus strand). Cytogenetic location: 11p15.2.
Variant type: single nucleotide variant.
Coding change: c.17G>C on transcript NM_024514.5 (MANE Select); coding-DNA position 17, G replaced by C.
Protein change: p.Arg6Thr; replaces arginine 6 with threonine.
Molecular consequence: missense variant. On other transcripts: intron variant (1).
Genome position (GRCh38, 1-based): chr11:14,892,189, C>G on the plus strand (G>C on the coding strand, the complement: CYP2R1 is on the minus strand). VCF-style: chr11-14892189-C-G. GRCh37 (hg19) VCF-style: chr11-14913735-C-G.
Other names: c.-121+176G>C (NM_001400558.1); short protein forms R6T.
Identifiers: ClinVar variation 1919558 (VCV001919558.2), dbSNP rs1383860939, ClinGen allele CA5896832.
Genomic context (GRCh38, chr11:14,892,189, plus strand): 5'-CCTAGCGCGAAGAGCAGCAGGAAGAGCGCGCCGCCGAGCGCCGCCGCGCCCTCTTCAGCT[C>G]TCCAAAGCTTCCACATCGGCCCGAGCTGGAGGTGCGAACTCCACAGCAGCCCTGAGACCC-3'
Protein context (NP_078790.2, residues 1-16): MWKLW[Arg6Thr]AEEGAAALGG

ClinVar aggregate classification (germline): Uncertain significance (1 of 4 stars; one submission).

Allele frequency attached by ClinVar (database versions not stated): ExAC 0.00004.
gnomAD v4.1: 24 of 1,610,326 alleles (0.0015%); highest among the groups gnomAD compares: Non-Finnish European, 0.0019%; no homozygotes.

Submission:

Labcorp Genetics (formerly Invitae), Labcorp
Classification: Uncertain significance. Last evaluated: 2022-03-13. Review status: criteria provided, single submitter. Criteria: Invitae Variant Classification Sherloc (09022015). Collection method: clinical testing. Allele origin: germline.
Comment: This sequence change replaces arginine, which is basic and polar, with threonine, which is neutral and polar, at codon 6 of the CYP2R1 protein (p.Arg6Thr). This variant is present in population databases (no rsID available, gnomAD 0.002%). This variant has not been reported in the literature in individuals affected with CYP2R1-related conditions. Algorithms developed to predict the effect of missense changes on protein structure and function are either unavailable or do not agree on the potential impact of this missense change (SIFT: "Tolerated"; PolyPhen-2: "Not Available"; Align-GVGD: "Class C0"). In summary, the available evidence is currently insufficient to determine the role of this variant in disease. Therefore, it has been classified as a Variant of Uncertain Significance.